The following is an entry in ClinVar:

NM_173598.6(KSR2):c.1687+9del

Gene: KSR2 (kinase suppressor of ras 2; minus strand). Cytogenetic location: 12q24.22.
Variant type: Deletion.
Coding change: c.1687+9del on transcript NM_173598.6 (MANE Select); 9 bases into the intron after coding-DNA position 1687, one base deleted (A; older notation c.1687+9delA).
Molecular consequence: intron variant.
Genome position (GRCh38, 1-based): chr12:117,539,710, T deleted on the plus strand (A on the coding strand, the reverse complement: KSR2 is on the minus strand). VCF-style (leftmost placement, unchanged base first): chr12-117539709-AT-A. GRCh37 (hg19) VCF-style: chr12-117977514-AT-A.
Identifiers: ClinVar variation 3050514 (VCV003050514.4), dbSNP rs1565890829, ClinGen allele CA608057213.

ClinVar aggregate classification (germline): Likely benign. Review status: criteria provided, multiple submitters, no conflicts (2 of 4 stars). 3 submissions from 3 submitters: Likely benign (2). 1 of the submissions does not count toward it. Last evaluated 2025-07-22.

Conditions:
KSR2-related disorder. Also called: KSR2-related condition.

Allele frequency attached by ClinVar (database versions not stated): TOPMed below 0.00001; gnomAD exomes 0.00002.

Submissions (3):

Labcorp Genetics (formerly Invitae), Labcorp
Classification: Likely benign. Last evaluated: 2025-07-22. Review status: criteria provided, single submitter. Criteria: Invitae Variant Classification Sherloc (09022015). Collection method: clinical testing. Allele origin: germline.

Blueprint Genetics
Classification: Likely benign. Last evaluated: 2024-11-20. Review status: criteria provided, single submitter. Criteria: ACMG Guidelines, 2015. Collection method: clinical testing. Allele origin: germline.

PreventionGenetics, part of Exact Sciences
Classification: Likely benign for KSR2-related condition. Last evaluated: 2023-12-01. Review status: no assertion criteria provided. Collection method: clinical testing. Allele origin: germline. Not counted in ClinVar's aggregate classification.
Comment: This variant is classified as likely benign based on ACMG/AMP sequence variant interpretation guidelines (Richards et al. 2015 PMID: 25741868, with internal and published modifications).